The following is an entry in ClinVar:

ClinVar aggregate classification (germline): Uncertain significance (0 of 4 stars; one submission).

Conditions:
CC2D2A-related disorder. Also called: CC2D2A-related condition; CC2D2A-related disorders. Identifiers: MedGen CN239313.

Allele frequency attached by ClinVar (database versions not stated): gnomAD exomes below 0.00001; gnomAD 0.00001; ExAC 0.00003.
gnomAD v4.1: 2 of 1,564,788 alleles (0.00013%); highest among the groups gnomAD compares: Non-Finnish European, 0.00017%; no homozygotes.

Submission:

PreventionGenetics, part of Exact Sciences
Classification: Uncertain significance for CC2D2A-related condition. Last evaluated: 2024-01-05. Review status: no assertion criteria provided. Collection method: clinical testing. Allele origin: germline.
Comment: The CC2D2A c.2108C>G variant is predicted to result in the amino acid substitution p.Ala703Gly. To our knowledge, this variant has not been reported in the literature. This variant is reported in 0.0014% of alleles in individuals of European (Non-Finnish) descent in gnomAD). At this time, the clinical significance of this variant is uncertain due to the absence of conclusive functional and genetic evidence.

NM_001378615.1(CC2D2A):c.2108C>G (p.Ala703Gly)

Genes: CC2D2A (coiled-coil and C2 domain containing 2A; plus strand), FBXL5 (F-box and leucine rich repeat protein 5; minus strand). Cytogenetic location: 4p15.32.
Variant type: single nucleotide variant.
Coding change: c.2108C>G on transcript NM_001378615.1 (MANE Select); coding-DNA position 2108, C replaced by G.
Protein change: p.Ala703Gly; replaces alanine 703 with glycine.
Molecular consequence: missense variant.
Genome position (GRCh38, 1-based): chr4:15,540,941, C>G. VCF-style: chr4-15540941-C-G. GRCh37 (hg19) VCF-style: chr4-15542564-C-G.
Other names: c.2108C>G, p.Ala703Gly (NM_001080522.2); c.1961C>G, p.Ala654Gly (NM_001378617.1); short protein forms A654G, A703G.
Identifiers: ClinVar variation 3031114 (VCV003031114.2), dbSNP rs752763357, ClinGen allele CA2863848.